The following is an entry in ClinVar:

ClinVar aggregate classification (germline): Uncertain significance. Review status: criteria provided, multiple submitters, no conflicts (2 of 4 stars). 3 submissions from 3 submitters: Uncertain significance (3). Last evaluated 2025-03-31.

Conditions:
Sulfite oxidase deficiency due to molybdenum cofactor deficiency type A. Also called: Molybdenum cofactor deficiency, complementation group A; Molybdenum Cofactor Deficiency A. Identifiers: Orphanet 308386, Orphanet 833, MedGen C1854988, MONDO:0009643, OMIM 252150.

Allele frequency attached by ClinVar (database versions not stated): TOPMed below 0.00001.

Submissions (3):

Labcorp Genetics (formerly Invitae), Labcorp
Classification: Uncertain significance for Sulfite oxidase deficiency due to molybdenum cofactor deficiency type A. Last evaluated: 2025-03-31. Review status: criteria provided, single submitter. Criteria: Invitae Variant Classification Sherloc (09022015). Collection method: clinical testing. Allele origin: germline.
Comment: This sequence change replaces lysine, which is basic and polar, with arginine, which is basic and polar, at codon 362 of the MOCS1 protein (p.Lys362Arg). This variant is not present in population databases (gnomAD no frequency). This missense change has been observed in individual(s) with MOCS1-related conditions (PMID: 36939041). ClinVar contains an entry for this variant (Variation ID: 1034229). An algorithm developed to predict the effect of missense changes on protein structure and function (PolyPhen-2) suggests that this variant is likely to be disruptive. In summary, the available evidence is currently insufficient to determine the role of this variant in disease. Therefore, it has been classified as a Variant of Uncertain Significance.

Baylor Genetics
Classification: Uncertain significance for Sulfite oxidase deficiency due to molybdenum cofactor deficiency type A. Last evaluated: 2018-12-05. Review status: criteria provided, single submitter. Criteria: ACMG Guidelines, 2015. Collection method: clinical testing. Allele origin: maternal. Affected: yes.
Comment: This variant was determined to be of uncertain significance according to ACMG Guidelines, 2015 [PMID:25741868].

Breakthrough Genomics
Classification: Uncertain significance. Review status: criteria provided, single submitter. Criteria: ACMG Guidelines, 2015. Collection method: not provided. Allele origin: germline. Inheritance: Autosomal recessive inheritance. Affected: yes.

Literature cited by the submitters: PubMed 36939041 (cited by Labcorp Genetics (formerly Invitae), Labcorp).

NM_001358530.2(MOCS1):c.1085A>G (p.Lys362Arg)

Gene: MOCS1 (molybdenum cofactor synthesis 1; minus strand). Cytogenetic location: 6p21.2.
Variant type: single nucleotide variant.
Coding change: c.1085A>G on transcript NM_001358530.2 (MANE Select); coding-DNA position 1085, A replaced by G.
Protein change: p.Lys362Arg; replaces lysine 362 with arginine.
Molecular consequence: missense variant. On other transcripts: non-coding transcript variant (1).
Genome position (GRCh38, 1-based): chr6:39,909,852, T>C on the plus strand (A>G on the coding strand, the complement: MOCS1 is on the minus strand). VCF-style: chr6-39909852-T-C. GRCh37 (hg19) VCF-style: chr6-39877596-T-C.
Other names: c.1085A>G, p.Lys362Arg (NM_001075098.4, NM_001358529.2, NM_005943.6); c.824A>G, p.Lys275Arg (NM_001358531.2, NM_001358533.2, NM_001358534.2); short protein forms K362R, K275R.
Identifiers: ClinVar variation 1034229 (VCV001034229.8), dbSNP rs1767214486, ClinGen allele CA364042088.